The following is an entry in ClinVar:

NM_001113491.2(SEPTIN9):c.775G>A (p.Ala259Thr)

Gene: SEPTIN9 (septin 9; plus strand). Cytogenetic location: 17q25.3.
Variant type: single nucleotide variant.
Coding change: c.775G>A on transcript NM_001113491.2 (MANE Select); coding-DNA position 775, G replaced by A.
Protein change: p.Ala259Thr; replaces alanine 259 with threonine.
Molecular consequence: missense variant.
Genome position (GRCh38, 1-based): chr17:77,482,197, G>A. VCF-style: chr17-77482197-G-A. GRCh37 (hg19) VCF-style: chr17-75478279-G-A.
Other names: c.283G>A, p.Ala95Thr (NM_001113492.2, NM_001113494.1); c.754G>A, p.Ala252Thr (NM_001113493.2); c.22G>A, p.Ala8Thr (NM_001113495.2, NM_001113496.2, NM_001293697.2 and 1 more transcripts); c.718G>A, p.Ala240Thr (NM_001293695.2); c.103G>A, p.Ala35Thr (NM_001293696.2); c.721G>A, p.Ala241Thr (NM_006640.5); short protein forms A240T, A241T, A252T, A259T, A35T, A8T, A95T.
Identifiers: ClinVar variation 3608884 (VCV003608884.2).

ClinVar aggregate classification (germline): Uncertain significance (1 of 4 stars; one submission).

gnomAD v4.1: 9 of 1,609,924 alleles (0.00056%); highest among the groups gnomAD compares: East Asian, 0.016%; no homozygotes.

Submission:

Labcorp Genetics (formerly Invitae), Labcorp
Classification: Uncertain significance. Last evaluated: 2024-06-29. Review status: criteria provided, single submitter. Criteria: Invitae Variant Classification Sherloc (09022015). Collection method: clinical testing. Allele origin: germline.
Comment: This sequence change replaces alanine, which is neutral and non-polar, with threonine, which is neutral and polar, at codon 241 of the SEPT9 protein (p.Ala241Thr). This variant is present in population databases (rs749212687, gnomAD 0.05%). This variant has not been reported in the literature in individuals affected with SEPT9-related conditions. Advanced modeling of protein sequence and biophysical properties (such as structural, functional, and spatial information, amino acid conservation, physicochemical variation, residue mobility, and thermodynamic stability) performed at Invitae indicates that this missense variant is not expected to disrupt SEPT9 protein function with a negative predictive value of 80%. In summary, the available evidence is currently insufficient to determine the role of this variant in disease. Therefore, it has been classified as a Variant of Uncertain Significance.